The following is an entry in ClinVar:

ClinVar aggregate classification (germline): Uncertain significance. Review status: criteria provided, multiple submitters, no conflicts (2 of 4 stars). 2 submissions from 2 submitters: Uncertain significance (2). Last evaluated 2024-08-20.

Conditions:
Hereditary cancer-predisposing syndrome. Also called: Neoplastic Syndromes, Hereditary; Tumor predisposition; Hereditary Cancer Syndrome; Hereditary neoplastic syndrome. Identifiers: Orphanet 140162, MedGen C0027672, MeSH D009386, MONDO:0015356.

Submissions (2):

GeneDx
Classification: Uncertain significance. Last evaluated: 2024-08-20. Review status: criteria provided, single submitter. Criteria: GeneDx Variant Classification Process June 2021. Collection method: clinical testing. Allele origin: germline. Affected: yes.
Comment: Not observed at significant frequency in large population cohorts (gnomAD); In silico analysis supports that this missense variant has a deleterious effect on protein structure/function; Has not been previously published as pathogenic or benign to our knowledge; This variant is associated with the following publications: (PMID: 24658002)

Ambry Genetics
Classification: Uncertain significance for Hereditary cancer-predisposing syndrome. Last evaluated: 2022-06-15. Review status: criteria provided, single submitter. Criteria: Ambry Variant Classification Scheme 2023. Collection method: clinical testing. Allele origin: germline.
Comment: The p.A1094V variant (also known as c.3281C>T), located in coding exon 23 of the SMARCA4 gene, results from a C to T substitution at nucleotide position 3281. The alanine at codon 1094 is replaced by valine, an amino acid with similar properties. This amino acid position is highly conserved in available vertebrate species. In addition, the in silico prediction for this alteration is inconclusive. Missense and in-frame variants in SMARCA4 are known to cause neurodevelopmental disorders; however, such associations with rhabdoid tumor predisposition syndrome including small cell carcinoma of the ovary-hypercalcemic type (SCCOHT) are exceedingly rare (Kosho T et al. Am J Med Genet C Semin Med Genet. 2014 Sep;166C(3):262-75; Jelinic P et al. Nat Genet. 2014 May;46(5):424-6). Since supporting evidence is limited at this time, the clinical significance of this alteration remains unclear.

NM_003072.5(SMARCA4):c.3281C>T (p.Ala1094Val)

Gene: SMARCA4 (SWI/SNF related BAF chromatin remodeling complex subunit ATPase 4; plus strand). Cytogenetic location: 19p13.2.
Variant type: single nucleotide variant.
Coding change: c.3281C>T on transcript NM_003072.5 (MANE Select); coding-DNA position 3281, C replaced by T.
Protein change: p.Ala1094Val; replaces alanine 1094 with valine.
Molecular consequence: missense variant. On other transcripts: non-coding transcript variant (1).
Genome position (GRCh38, 1-based): chr19:11,027,849, C>T. VCF-style: chr19-11027849-C-T. GRCh37 (hg19) VCF-style: chr19-11138525-C-T.
Other names: c.3281C>T, p.Ala1094Val (NM_001128844.3, NM_001128845.2, NM_001128846.2 and 6 more transcripts); short protein forms A1094V.
Identifiers: ClinVar variation 1729744 (VCV001729744.3), dbSNP rs2146543309, ClinGen allele CA404061505.